The following is an entry in ClinVar:

NM_018714.3(COG1):c.628G>A (p.Glu210Lys)

Gene: COG1 (component of oligomeric golgi complex 1; plus strand). Cytogenetic location: 17q25.1.
Variant type: single nucleotide variant.
Coding change: c.628G>A on transcript NM_018714.3 (MANE Select); coding-DNA position 628, G replaced by A.
Protein change: p.Glu210Lys; replaces glutamic acid 210 with lysine.
Molecular consequence: missense variant.
Genome position (GRCh38, 1-based): chr17:73,196,967, G>A. VCF-style: chr17-73196967-G-A. GRCh37 (hg19) VCF-style: chr17-71193106-G-A.
Other names: short protein forms E210K.
Identifiers: ClinVar variation 2055821 (VCV002055821.1), dbSNP rs567533944, ClinGen allele CA8740032.
Genomic context (GRCh38, chr17:73,196,967, plus strand): 5'-ATTCTGCATGAAAGCAAGATGTTGCTCAAATGCCAAGGTGTGTCTGACCAAGCTGTGGCC[G>A]AGGCCCTGTGCTCTATAATGCTCTTAGAAGAGAGTTCTCCTCGCCAAGCCCTCACAGACT-3'
Protein context (NP_061184.1, residues 200-220): CQGVSDQAVA[Glu210Lys]ALCSIMLLEE

ClinVar aggregate classification (germline): Uncertain significance (1 of 4 stars; one submission).

Conditions:
COG1 congenital disorder of glycosylation (CDG2G). Also called: CONGENITAL DISORDER OF GLYCOSYLATION, TYPE IIg; CDG IIg; CDGII/COG1 CEREBROCOSTOMANDIBULAR-LIKE SYNDROME. Identifiers: Orphanet 263508, MedGen C2931011, MONDO:0012637, OMIM 611209.

gnomAD v4.1: 36 of 1,614,048 alleles (0.0022%); highest among the groups gnomAD compares: South Asian, 0.0066%; no homozygotes.

Submission:

Labcorp Genetics (formerly Invitae), Labcorp
Classification: Uncertain significance for COG1 congenital disorder of glycosylation. Last evaluated: 2022-02-19. Review status: criteria provided, single submitter. Criteria: Invitae Variant Classification Sherloc (09022015). Collection method: clinical testing. Allele origin: germline.
Comment: This sequence change replaces glutamic acid, which is acidic and polar, with lysine, which is basic and polar, at codon 210 of the COG1 protein (p.Glu210Lys). This variant is present in population databases (rs567533944, gnomAD 0.006%). This variant has not been reported in the literature in individuals affected with COG1-related conditions. Algorithms developed to predict the effect of missense changes on protein structure and function are either unavailable or do not agree on the potential impact of this missense change (SIFT: "Tolerated"; PolyPhen-2: "Possibly Damaging"; Align-GVGD: "Class C0"). In summary, the available evidence is currently insufficient to determine the role of this variant in disease. Therefore, it has been classified as a Variant of Uncertain Significance.